The following is an entry in ClinVar:

ClinVar aggregate classification (germline): Conflicting classifications of pathogenicity. Review status: criteria provided, conflicting classifications (1 of 4 stars). 6 submissions from 6 submitters: Uncertain significance (4); Benign (1). 1 of the submissions does not count toward it. Last evaluated 2025-07-23.

Conditions:
PIEZO2-related disorder. Also called: PIEZO2-related disorders; PIEZO2-related condition.
Inborn genetic diseases. Identifiers: MedGen C0950123, MeSH D030342.

Allele frequency attached by ClinVar (database versions not stated): gnomAD exomes 0.00018; ExAC 0.00034; gnomAD 0.00041 and 0.00044; TOPMed 0.00045; 1000 Genomes Project 0.00060; 1000 Genomes Project 30x 0.00062; ESP Exome Variant Server 0.00088.
gnomAD v4.1: 187 of 1,536,686 alleles (0.012%); highest among the groups gnomAD compares: African/African-American, 0.18%; 1 homozygote.

Submissions (6):

GeneDx
Classification: Uncertain significance. Last evaluated: 2025-07-23. Review status: criteria provided, single submitter. Criteria: GeneDx Variant Classification Process June 2021. Collection method: clinical testing. Allele origin: germline. Affected: yes.
Comment: In silico analysis suggests that this missense variant does not alter protein structure/function; Has not been previously published as pathogenic or benign to our knowledge

Ambry Genetics
Classification: Uncertain significance for Inborn genetic diseases. Last evaluated: 2025-02-20. Review status: criteria provided, single submitter. Criteria: Ambry Variant Classification Scheme 2023. Collection method: clinical testing. Allele origin: germline.

Labcorp Genetics (formerly Invitae), Labcorp
Classification: Benign. Last evaluated: 2022-08-09. Review status: criteria provided, single submitter. Criteria: Invitae Variant Classification Sherloc (09022015). Collection method: clinical testing. Allele origin: germline.

Genomic Research Center, Shahid Beheshti University of Medical Sciences
Classification: Uncertain significance. Last evaluated: 2019-04-27. Review status: criteria provided, single submitter. Criteria: ACMG Guidelines, 2015. Collection method: clinical testing. Allele origin: unknown. Affected: yes.

Breakthrough Genomics
Classification: Uncertain significance. Review status: criteria provided, single submitter. Criteria: ACMG Guidelines, 2015. Collection method: not provided. Allele origin: germline. Inheritance: Autosomal recessive inheritance. Affected: yes.

PreventionGenetics, part of Exact Sciences
Classification: Likely benign for PIEZO2-related condition. Last evaluated: 2023-01-27. Review status: no assertion criteria provided. Collection method: clinical testing. Allele origin: germline. Not counted in ClinVar's aggregate classification.
Comment: This variant is classified as likely benign based on ACMG/AMP sequence variant interpretation guidelines (Richards et al. 2015 PMID: 25741868, with internal and published modifications).

NM_001378183.1(PIEZO2):c.5080G>A (p.Asp1694Asn)

Gene: PIEZO2 (piezo type mechanosensitive ion channel component 2; minus strand). Cytogenetic location: 18p11.22.
Variant type: single nucleotide variant.
Coding change: c.5080G>A on transcript NM_001378183.1 (MANE Select); coding-DNA position 5080, G replaced by A.
Protein change: p.Asp1694Asn; replaces aspartic acid 1694 with asparagine.
Molecular consequence: missense variant.
Genome position (GRCh38, 1-based): chr18:10,718,209, C>T on the plus strand (G>A on the coding strand, the complement: PIEZO2 is on the minus strand). VCF-style: chr18-10718209-C-T. GRCh37 (hg19) VCF-style: chr18-10718207-C-T.
Other names: c.4906G>A, p.Asp1636Asn (NM_022068.4); c.4906G>A (NM_022068.2); short protein forms D1636N, D1694N.
Identifiers: ClinVar variation 638378 (VCV000638378.13), dbSNP rs114649884, ClinGen allele CA8892365.
Genomic context (GRCh38, chr18:10,718,209, plus strand): 5'-AGGTATCATTTTCAAAGTTCCCACAGCTCATATTTGTCTTTATTTTGTTACCTGGTCCAT[C>T]GGATTTCTTTTTGATTGGTTCATCCTCCCGGTCTTCCCATTCCACAGGACCTGCCAAGTG-3'
Protein context (NP_001365112.1, residues 1684-1704): REDEPIKKKS[Asp1694Asn]GPDNIIKRIF